The following is an entry in ClinVar:

NM_006618.5(KDM5B):c.1631C>T (p.Ser544Phe)

Gene: KDM5B (lysine demethylase 5B; minus strand). Cytogenetic location: 1q32.1.
Variant type: single nucleotide variant.
Coding change: c.1631C>T on transcript NM_006618.5 (MANE Select); coding-DNA position 1631, C replaced by T.
Protein change: p.Ser544Phe; replaces serine 544 with phenylalanine.
Molecular consequence: missense variant.
Genome position (GRCh38, 1-based): chr1:202,752,975, G>A on the plus strand (C>T on the coding strand, the complement: KDM5B is on the minus strand). VCF-style: chr1-202752975-G-A. GRCh37 (hg19) VCF-style: chr1-202722103-G-A.
Other names: c.1739C>T, p.Ser580Phe (NM_001314042.2); c.1496C>T, p.Ser499Phe (NM_001347591.2); c.1616C>T, p.Ser539Phe (NM_001399817.1); c.1631C>T (NM_006618.3); short protein forms S499F, S544F, S580F, S539F.
Identifiers: ClinVar variation 954331 (VCV000954331.12), dbSNP rs774501057, ClinGen allele CA1334673.

ClinVar aggregate classification (germline): Uncertain significance. Review status: criteria provided, multiple submitters, no conflicts (2 of 4 stars). 4 submissions from 4 submitters: Uncertain significance (4). Last evaluated 2024-12-03.

Conditions:
KDM5B-related disorder. Also called: KDM5B-related condition.
Inborn genetic diseases. Identifiers: MedGen C0950123, MeSH D030342.

Allele frequency attached by ClinVar (database versions not stated): ExAC 0.00016.
gnomAD v4.1: 72 of 1,614,148 alleles (0.0045%); highest among the groups gnomAD compares: South Asian, 0.076%; no homozygotes.

Submissions (4):

PreventionGenetics, part of Exact Sciences
Classification: Uncertain significance for KDM5B-related condition. Last evaluated: 2024-12-03. Review status: criteria provided, single submitter. Criteria: ACMG Guidelines, 2015. Collection method: clinical testing. Allele origin: germline.
Comment: The KDM5B c.1631C>T variant is predicted to result in the amino acid substitution p.Ser544Phe. To our knowledge, this variant has not been reported in the literature. This variant is reported in 0.11% of alleles in individuals of South Asian descent in gnomAD and is interpreted as uncertain in ClinVar. Although we suspect that this variant may be benign, at this time, the clinical significance of this variant is uncertain due to the absence of conclusive functional and genetic evidence.

Blueprint Genetics
Classification: Uncertain significance. Last evaluated: 2021-10-04. Review status: criteria provided, single submitter. Criteria: ACMG Guidelines, 2015. Collection method: clinical testing. Allele origin: germline.

Ambry Genetics
Classification: Uncertain significance for Inborn genetic diseases. Last evaluated: 2021-02-19. Review status: criteria provided, single submitter. Criteria: Ambry Variant Classification Scheme 2023. Collection method: clinical testing. Allele origin: germline.
Comment: The c.1631C>T (p.S544F) alteration is located in exon 12 (coding exon 12) of the KDM5B gene. This alteration results from a C to T substitution at nucleotide position 1631, causing the serine (S) at amino acid position 544 to be replaced by a phenylalanine (F). The in silico prediction for the p.S544F alteration is inconclusive. Based on insufficient or conflicting evidence, the clinical significance of this alteration remains unclear.

Labcorp Genetics (formerly Invitae), Labcorp
Classification: Uncertain significance. Last evaluated: 2019-07-13. Review status: criteria provided, single submitter. Criteria: Invitae Variant Classification Sherloc (09022015). Collection method: clinical testing. Allele origin: germline.
Comment: This sequence change replaces serine with phenylalanine at codon 544 of the KDM5B protein (p.Ser544Phe). The serine residue is moderately conserved and there is a large physicochemical difference between serine and phenylalanine. In summary, the available evidence is currently insufficient to determine the role of this variant in disease. Therefore, it has been classified as a Variant of Uncertain Significance. Algorithms developed to predict the effect of missense changes on protein structure and function are either unavailable or do not agree on the potential impact of this missense change (SIFT: "Deleterious"; PolyPhen-2: "Probably Damaging"; Align-GVGD: "Class C0"). This variant has not been reported in the literature in individuals with KDM5B-related conditions. This variant is present in population databases (rs774501057, ExAC 0.1%).